The following is an entry in ClinVar:

ClinVar aggregate classification (germline): Pathogenic. Review status: criteria provided, single submitter (1 of 4 stars). 2 submissions from 2 submitters: Pathogenic (1). 1 of the submissions does not count toward it. Last evaluated 2022-01-03.

Conditions:
Kabuki syndrome 1 (KABUK1). Also called: KMT2D-Related Kabuki Syndrome. Identifiers: Orphanet 2322, MedGen CN030661, MONDO:0007843, OMIM 147920.
Lymphoma. Identifiers: Orphanet 223735, MedGen C0024299, MeSH D008223, MONDO:0005062, HP:0002665.

Submissions (2):

3billion
Classification: Pathogenic for Kabuki syndrome 1. Last evaluated: 2022-01-03. Review status: criteria provided, single submitter. Criteria: ACMG Guidelines, 2015. Collection method: clinical testing. Allele origin: germline. Affected: yes. Observed: 1 heterozygote.
Comment: Frameshift: predicted to result in a loss or disruption of normal protein function through nonsense-mediated decay (NMD) or protein truncation. Multiple pathogenic variants are reported downstream of the variant (PVS1_VS). It is not observed in the gnomAD v2.1.1 dataset (PM2_M). The variant has been reported to be associated with KMT2D related disorder (ClinVar ID: VCV000638279). Therefore, this variant is classified as pathogenic according to the recommendation of ACMG/AMP guideline.

Xiao lab, Department of Pathology, Memorial Sloan Kettering Cancer Center
Classification: Likely pathogenic for Lymphoma. Last evaluated: 2019-07-25. Review status: no assertion criteria provided. Collection method: clinical testing. Allele origin: somatic. Affected: yes. Not counted in ClinVar's aggregate classification.

NM_003482.4(KMT2D):c.10624_10625del (p.Leu3542fs)

Gene: KMT2D (lysine methyltransferase 2D; minus strand). Cytogenetic location: 12q13.12.
Variant type: Microsatellite.
Coding change: c.10624_10625del on transcript NM_003482.4 (MANE Select); coding-DNA positions 10624 to 10625, 2 bases deleted (CT; older notation c.10624_10625delCT).
Protein change: p.Leu3542fs; shifts the reading frame from leucine 3542.
Molecular consequence: frameshift variant.
Genome position (GRCh38, 1-based): chr12:49,034,182-49,034,183, AG deleted on the plus strand (CT on the coding strand, the reverse complement: KMT2D is on the minus strand); deleting any 2 consecutive bases within chr12:49,034,182-49,034,185 gives the same sequence; the c. name uses the placement nearest the transcript's 3' end. VCF-style (leftmost placement, unchanged base first): chr12-49034181-CAG-C. GRCh37 (hg19) VCF-style: chr12-49427964-CAG-C.
Other names: c.10624_10625delCT (NM_003482.3); short protein forms L3542fs.
Identifiers: ClinVar variation 638279 (VCV000638279.2), dbSNP rs1592123162, ClinGen allele CA915948309.